The following is an entry in ClinVar:

NM_004484.4(GPC3):c.1378A>C (p.Ser460Arg)

Gene: GPC3 (glypican 3; minus strand). Cytogenetic location: Xq26.2.
Variant type: single nucleotide variant.
Coding change: c.1378A>C on transcript NM_004484.4 (MANE Select); coding-DNA position 1378, A replaced by C.
Protein change: p.Ser460Arg; replaces serine 460 with arginine.
Molecular consequence: missense variant.
Genome position (GRCh38, 1-based): chrX:133,661,765, T>G on the plus strand (A>C on the coding strand, the complement: GPC3 is on the minus strand). VCF-style: chrX-133661765-T-G. GRCh37 (hg19) VCF-style: chrX-132795793-T-G.
Other names: c.1447A>C, p.Ser483Arg (NM_001164617.2); c.1330A>C, p.Ser444Arg (NM_001164618.2); c.1216A>C, p.Ser406Arg (NM_001164619.2); short protein forms S444R, S460R, S483R, S406R.
Identifiers: ClinVar variation 939061 (VCV000939061.10), dbSNP rs769964258, ClinGen allele CA10520675.

ClinVar aggregate classification (germline): Uncertain significance (1 of 4 stars; one submission).

Conditions:
Wilms tumor 1 (WT1). Also called: Wilms tumor, somatic. Identifiers: Orphanet 654, MedGen CN033288, MONDO:0008679, OMIM 194070.

Allele frequency attached by ClinVar (database versions not stated): gnomAD exomes 0.00001; ExAC 0.00002.

Submission:

Labcorp Genetics (formerly Invitae), Labcorp
Classification: Uncertain significance for Wilms tumor 1. Last evaluated: 2019-06-03. Review status: criteria provided, single submitter. Criteria: Invitae Variant Classification Sherloc (09022015). Collection method: clinical testing. Allele origin: germline.
Comment: This sequence change replaces serine with arginine at codon 460 of the GPC3 protein (p.Ser460Arg). The serine residue is moderately conserved and there is a moderate physicochemical difference between serine and arginine. In summary, the available evidence is currently insufficient to determine the role of this variant in disease. Therefore, it has been classified as a Variant of Uncertain Significance. Algorithms developed to predict the effect of missense changes on protein structure and function are either unavailable or do not agree on the potential impact of this missense change (SIFT: "Deleterious"; PolyPhen-2: "Possibly Damaging"; Align-GVGD: "Class C0"). This variant has not been reported in the literature in individuals with GPC3-related conditions. This variant is present in population databases (rs769964258, ExAC 0.004%).